The following is an entry in ClinVar:

NM_133443.4(GPT2):c.1070T>C (p.Ile357Thr)

Gene: GPT2 (glutamic--pyruvic transaminase 2; plus strand). Cytogenetic location: 16q11.2.
Variant type: single nucleotide variant.
Coding change: c.1070T>C on transcript NM_133443.4 (MANE Select); coding-DNA position 1070, T replaced by C.
Protein change: p.Ile357Thr; replaces isoleucine 357 with threonine.
Molecular consequence: missense variant.
Genome position (GRCh38, 1-based): chr16:46,922,274, T>C. VCF-style: chr16-46922274-T-C. GRCh37 (hg19) VCF-style: chr16-46956186-T-C.
Other names: c.770T>C, p.Ile257Thr (NM_001142466.3); short protein forms I257T, I357T.
Identifiers: ClinVar variation 5037357 (VCV005037357.1).

ClinVar aggregate classification (germline): Uncertain significance (1 of 4 stars; one submission).

Submission:

GeneDx
Classification: Uncertain significance. Last evaluated: 2026-04-17. Review status: criteria provided, single submitter. Criteria: GeneDx Variant Classification Process June 2021. Collection method: clinical testing. Allele origin: germline.
Comment: Not observed at significant frequency in large population cohorts (gnomAD); In silico analysis supports that this missense variant has a deleterious effect on protein structure/function; Has not been previously published as pathogenic or benign to our knowledge